The following is an entry in ClinVar:

ClinVar aggregate classification (germline): Uncertain significance. Review status: criteria provided, multiple submitters, no conflicts (2 of 4 stars). 3 submissions from 3 submitters: Uncertain significance (3). Last evaluated 2024-03-01.

Allele frequency attached by ClinVar (database versions not stated): gnomAD 0.00002; TOPMed 0.00003; gnomAD exomes 0.00004; ExAC 0.00007.
gnomAD v4.1: 58 of 1,596,166 alleles (0.0036%); highest among the groups gnomAD compares: Admixed American, 0.0051%; no homozygotes.

Submissions (3):

Blueprint Genetics
Classification: Uncertain significance. Last evaluated: 2024-03-01. Review status: criteria provided, single submitter. Criteria: ACMG Guidelines, 2015. Collection method: clinical testing. Allele origin: germline.

Labcorp Genetics (formerly Invitae), Labcorp
Classification: Uncertain significance. Last evaluated: 2024-01-18. Review status: criteria provided, single submitter. Criteria: Invitae Variant Classification Sherloc (09022015). Collection method: clinical testing. Allele origin: germline.
Comment: This sequence change replaces arginine, which is basic and polar, with cysteine, which is neutral and slightly polar, at codon 1180 of the COL18A1 protein (p.Arg1180Cys). The frequency data for this variant in the population databases is considered unreliable, as metrics indicate poor data quality at this position in the gnomAD database. This variant has not been reported in the literature in individuals affected with COL18A1-related conditions. ClinVar contains an entry for this variant (Variation ID: 340266). Experimental studies and prediction algorithms are not available or were not evaluated, and the functional significance of this variant is currently unknown. In summary, the available evidence is currently insufficient to determine the role of this variant in disease. Therefore, it has been classified as a Variant of Uncertain Significance.

Genetic Services Laboratory, University of Chicago
Classification: Uncertain significance. Last evaluated: 2020-01-17. Review status: criteria provided, single submitter. Criteria: ACMG Guidelines, 2015. Collection method: clinical testing. Allele origin: germline. Affected: no.

NM_001379500.1(COL18A1):c.3547C>T (p.Arg1183Cys)

Genes: COL18A1 (collagen type XVIII alpha 1 chain; plus strand), SLC19A1 (solute carrier family 19 member 1; minus strand). Cytogenetic location: 21q22.3.
Variant type: single nucleotide variant.
Coding change: c.3547C>T on transcript NM_001379500.1 (MANE Select); coding-DNA position 3547, C replaced by T.
Protein change: p.Arg1183Cys; replaces arginine 1183 with cysteine.
Molecular consequence: missense variant.
Genome position (GRCh38, 1-based): chr21:45,510,115, C>T. VCF-style: chr21-45510115-C-T. GRCh37 (hg19) VCF-style: chr21-46930029-C-T.
Other names: c.4078C>T, p.Arg1360Cys (NM_030582.4); c.4783C>T, p.Arg1595Cys (NM_130444.3); short protein forms R1360C, R1595C, R1183C.
Identifiers: ClinVar variation 340266 (VCV000340266.12), dbSNP rs746594158, ClinGen allele CA10067951.